The following is an entry in ClinVar:

NM_001267550.2(TTN):c.45545C>T (p.Thr15182Ile)

Genes: TTN (titin; minus strand), LOC126806427 (BRD4-independent group 4 enhancer GRCh37_chr2:179485777-179486976; plus strand). Cytogenetic location: 2q31.2.
Variant type: single nucleotide variant.
Coding change: c.45545C>T on transcript NM_001267550.2 (MANE Select); coding-DNA position 45545, C replaced by T.
Protein change: p.Thr15182Ile; replaces threonine 15182 with isoleucine.
Molecular consequence: missense variant.
Genome position (GRCh38, 1-based): chr2:178,621,173, G>A on the plus strand (C>T on the coding strand, the complement: TTN is on the minus strand). VCF-style: chr2-178621173-G-A. GRCh37 (hg19) VCF-style: chr2-179485900-G-A.
Other names: p.Thr13541Ile; c.18725C>T, p.Thr6242Ile (NM_133432.3); c.18926C>T, p.Thr6309Ile (NM_133437.4); c.40622C>T, p.Thr13541Ile (NM_001256850.1); c.18350C>T, p.Thr6117Ile (NM_003319.4); c.37841C>T, p.Thr12614Ile (NM_133378.4); short protein forms T6117I, T6242I, T6309I, T13541I, T15182I, T12614I.
Identifiers: ClinVar variation 4540737 (VCV004540737.1).

ClinVar aggregate classification (germline): Uncertain significance (1 of 4 stars; one submission).

Submission:

Mayo Clinic Laboratories, Mayo Clinic
Classification: Uncertain significance. Last evaluated: 2025-09-13. Review status: criteria provided, single submitter. Criteria: ACMG Guidelines, 2015. Collection method: clinical testing. Allele origin: germline. Observed: 1 variant allele.
Comment: BP4, PM2_supporting